The following is an entry in ClinVar:

NM_022114.4(PRDM16):c.2711T>C (p.Met904Thr)

Gene: PRDM16 (PR/SET domain 16; plus strand). Cytogenetic location: 1p36.32.
Variant type: single nucleotide variant.
Coding change: c.2711T>C on transcript NM_022114.4 (MANE Select); coding-DNA position 2711, T replaced by C.
Protein change: p.Met904Thr; replaces methionine 904 with threonine.
Molecular consequence: missense variant.
Genome position (GRCh38, 1-based): chr1:3,417,847, T>C. VCF-style: chr1-3417847-T-C. GRCh37 (hg19) VCF-style: chr1-3334411-T-C.
Other names: c.2711T>C, p.Met904Thr (NM_199454.3); short protein forms M904T.
Identifiers: ClinVar variation 4818880 (VCV004818880.1).

ClinVar aggregate classification (germline): Uncertain significance (1 of 4 stars; one submission).

Conditions:
Left ventricular noncompaction 8 (LVNC8). Identifiers: Orphanet 154, Orphanet 54260, MedGen C3809288, MONDO:0014152, OMIM 615373.

Submission:

MVZ Medizinische Genetik Mainz
Classification: Uncertain significance for Left ventricular noncompaction 8. Last evaluated: 2026-03-16. Review status: criteria provided, single submitter. Criteria: UK Practice Guidelines For Variant Classification V4 01 2020. Collection method: clinical testing. Allele origin: germline. Inheritance: Autosomal dominant inheritance. Affected: yes. Observed: 1 variant allele.
Comment: ACMG Criteria: PM2_SUP